The following is an entry in ClinVar:

ClinVar aggregate classification (germline): Pathogenic (1 of 4 stars; one submission).

Submission:

Labcorp Genetics (formerly Invitae), Labcorp
Classification: Pathogenic. Last evaluated: 2022-12-14. Review status: criteria provided, single submitter. Criteria: Invitae Variant Classification Sherloc (09022015). Collection method: clinical testing. Allele origin: germline.
Comment: For these reasons, this variant has been classified as Pathogenic. This variant has not been reported in the literature in individuals affected with LMX1B-related conditions. This variant is not present in population databases (gnomAD no frequency). This sequence change creates a premature translational stop signal (p.Thr91Hisfs*56) in the LMX1B gene. It is expected to result in an absent or disrupted protein product. Loss-of-function variants in LMX1B are known to be pathogenic (PMID: 9590287, 15498463).

Literature cited by the submitters: PubMed 9590287; PubMed 15498463.

NM_001174147.2(LMX1B):c.271_272del (p.Thr91fs)

Gene: LMX1B (LIM homeobox transcription factor 1 beta; plus strand). Cytogenetic location: 9q33.3.
Variant type: Deletion.
Coding change: c.271_272del on transcript NM_001174147.2 (MANE Select); coding-DNA positions 271 to 272, 2 bases deleted (AC; older notation c.271_272delAC).
Protein change: p.Thr91fs; shifts the reading frame from threonine 91.
Molecular consequence: frameshift variant.
Genome position (GRCh38, 1-based): chr9:126,615,514-126,615,515, AC deleted; deleting any 2 consecutive bases within chr9:126,615,513-126,615,515 gives the same sequence; the c. name uses the placement nearest the transcript's 3' end. VCF-style (leftmost placement, unchanged base first): chr9-126615512-TCA-T. GRCh37 (hg19) VCF-style: chr9-129377791-TCA-T.
Other names: c.271_272del, p.Thr91fs (NM_001174146.2, NM_002316.4); short protein forms T91fs.
Identifiers: ClinVar variation 2820779 (VCV002820779.3), dbSNP rs2490518360, ClinGen allele CA2739265030.